The following is an entry in ClinVar:

ClinVar aggregate classification (germline): Benign. Review status: reviewed by expert panel (3 of 4 stars). 19 submissions from 18 submitters: Benign (1). 18 of the submissions do not count toward it. Last evaluated 2021-03-17.

Conditions:
RYR1-related disorder. Also called: RYR1-related disorders; RYR1-related condition. Identifiers: MedGen CN239331.
Central core myopathy (CMYO1A). Also called: Central core disease; Myopathy, central fibrillar; CONGENITAL MYOPATHY 1A, AUTOSOMAL DOMINANT, WITH SUSCEPTIBILITY TO MALIGNANT HYPERTHERMIA. Identifiers: Orphanet 597, MedGen C5830701, MONDO:0007294, OMIM 117000.
Congenital multicore myopathy with external ophthalmoplegia (CMYO1B). Also called: MULTICORE MYOPATHY; Minicore myopathy with external ophthalmoplegia; Congenital myopathy 1B, autosomal recessive; Minicore myopathy; MULTIMINICORE DISEASE WITH EXTERNAL OPHTHALMOPLEGIA. Identifiers: Orphanet 598, Orphanet 98905, MedGen C1850674, MONDO:0009712, OMIM 255320, HP:0003789.
Malignant hyperthermia, susceptibility to, 1 (MHS1). Also called: Malignant hyperthermia suceptibility 1; Anesthesia related hyperthermia; Malignant hyperpyrexia; Fulminating hyperpyrexia; Pharmacogenic myopathy; RYR1-Related Malignant Hyperthermia Susceptibility. Identifiers: Orphanet 423, MedGen C2930980, MONDO:0007783, OMIM 145600.

Allele frequency attached by ClinVar (database versions not stated): gnomAD 0.04719 and 0.05093; gnomAD exomes 0.06840 and 0.06855; ESP Exome Variant Server 0.05144; ExAC 0.06937; 1000 Genomes Project 0.05491; TOPMed 0.04906; 1000 Genomes Project 30x 0.05559.
gnomAD v4.1: 107,691 of 1,614,032 alleles (6.7%); highest among the groups gnomAD compares: South Asian, 15%; 4,446 homozygotes.

Submissions (19):

ClinGen Malignant Hyperthermia Susceptibility Variant Curation Expert Panel, ClinGen
Classification: Benign for Malignant hyperthermia, susceptibility to, 1. Last evaluated: 2021-03-17. Review status: reviewed by expert panel. Criteria: ClinGen MHS ACMG Specifications V1. Collection method: curation. Allele origin: germline. Inheritance: Autosomal dominant inheritance. Study: ClinGen.
Comment: This pathogenicity assessment is relevant only for malignant hyperthermia susceptibility (MHS) inherited in an autosomal dominant pattern. Variants in RYR1 can also cause other myopathies inherited in an autosomal dominant pattern or in an autosomal recessive pattern. Some of these disorders may predispose individuals to malignant hyperthermia. RYR1 variants may also contribute to a malignant hyperthermia reaction in combination with other genetic and non-genetic factors and the clinician needs to consider such factors in making management decisions. This sequence variant predicts a substitution of Glycine with Cysteine at codon 2060 of the RYR1 protein, p.(Gly2060Cys). The maximum allele frequency for this variant among the six major gnomAD populations is SAS: 0.1562, which is considered to be too common for a pathogenic variant causing autosomal dominantly inherited MHS, BA1. This variant has been classified as Benign. Criteria implemented: BA1.

Labcorp Genetics (formerly Invitae), Labcorp
Classification: Benign for RYR1-related disorder. Last evaluated: 2026-02-04. Review status: criteria provided, single submitter. Criteria: Invitae Variant Classification Sherloc (09022015). Collection method: clinical testing. Allele origin: germline. Not counted in ClinVar's aggregate classification.

Blueprint Genetics
Classification: Benign. Last evaluated: 2024-11-28. Review status: criteria provided, single submitter. Criteria: ACMG Guidelines, 2015. Collection method: clinical testing. Allele origin: germline. Not counted in ClinVar's aggregate classification.

All of Us Research Program, National Institutes of Health
Classification: Benign for Malignant hyperthermia, susceptibility to, 1. Last evaluated: 2024-10-02. Review status: criteria provided, single submitter. Criteria: ACMG Guidelines, 2015. Collection method: clinical testing. Allele origin: germline. Inheritance: Autosomal dominant inheritance. Observed: 18,333 variant alleles, 17,608 heterozygotes, 720 homozygotes, 5 hemizygotes. Not counted in ClinVar's aggregate classification.
Comment: This study involves interpretation of variants in research participants for the purpose of population health screening. Participant phenotype was not available at the time of variant classification. Additional details can be found in publication PMID: 35346344, PMCID: PMC8962531

PreventionGenetics, part of Exact Sciences
Classification: Benign. Last evaluated: 2018-03-21. Review status: criteria provided, single submitter. Criteria: ACMG Guidelines, 2015. Collection method: clinical testing. Allele origin: germline. Not counted in ClinVar's aggregate classification.

Color Diagnostics, LLC DBA Color Health
Classification: Benign for Malignant hyperthermia, susceptibility to, 1. Last evaluated: 2018-03-05. Review status: criteria provided, single submitter. Criteria: ACMG Guidelines, 2015. Collection method: clinical testing. Allele origin: germline. Not counted in ClinVar's aggregate classification.

Illumina Laboratory Services, Illumina
Classification: Benign for Congenital multicore myopathy with external ophthalmoplegia. Last evaluated: 2018-01-12. Review status: criteria provided, single submitter. Criteria: ICSL Variant Classification Criteria 13 December 2019. Collection method: clinical testing. Allele origin: germline. Not counted in ClinVar's aggregate classification.
Comment: This variant was observed in the ICSL laboratory as part of a predisposition screen in an ostensibly healthy population. It had not been previously curated by ICSL or reported in the Human Gene Mutation Database (HGMD: prior to June 1st, 2018), and was therefore a candidate for classification through an automated scoring system. Utilizing variant allele frequency, disease prevalence and penetrance estimates, and inheritance mode, an automated score was calculated to assess if this variant is too frequent to cause the disease. Based on the score and internal cut-off values, a variant classified as benign is not then subjected to further curation. The score for this variant resulted in a classification of benign for this disease.

Illumina Laboratory Services, Illumina
Classification: Benign for Malignant hyperthermia, susceptibility to, 1. Last evaluated: 2018-01-12. Review status: criteria provided, single submitter. Criteria: ICSL Variant Classification Criteria 13 December 2019. Collection method: clinical testing. Allele origin: germline. Not counted in ClinVar's aggregate classification.
Comment: the same text as in the submission from Illumina Laboratory Services, Illumina above.

Mayo Clinic Laboratories, Mayo Clinic
Classification: Benign. Last evaluated: 2017-08-25. Review status: criteria provided, single submitter. Criteria: ACMG Guidelines, 2015. Collection method: clinical testing. Allele origin: germline. Observed: 101 variant alleles. Not counted in ClinVar's aggregate classification.

GeneDx
Classification: Benign. Last evaluated: 2016-02-08. Review status: criteria provided, single submitter. Criteria: GeneDx Variant Classification (06012015). Collection method: clinical testing. Allele origin: germline. Affected: yes. Not counted in ClinVar's aggregate classification.
Comment: This variant is considered likely benign or benign based on one or more of the following criteria: it is a conservative change, it occurs at a poorly conserved position in the protein, it is predicted to be benign by multiple in silico algorithms, and/or has population frequency not consistent with disease.

Laboratory for Molecular Medicine, Mass General Brigham Personalized Medicine
Classification: Benign. Last evaluated: 2015-01-13. Review status: criteria provided, single submitter. Criteria: LMM Criteria. Collection method: clinical testing. Allele origin: germline. Observed: 1 variant allele. Not counted in ClinVar's aggregate classification.
Comment: p.Gly2060Cys in exon 38 of RYR1: This variant is not expected to have clinical s ignificance because it has been identified in 7.1% (613/8600) of European Americ an chromosomes from a broad population by the NHLBI Exome Sequencing Project (dbSNP rs35364374).

Genetic Services Laboratory, University of Chicago
Classification: Benign. Last evaluated: 2013-08-15. Review status: criteria provided, single submitter. Criteria: ACMG Guidelines, 2007. Collection method: clinical testing. Allele origin: germline. Inheritance: Autosomal unknown. Not counted in ClinVar's aggregate classification.

Eurofins Ntd Llc (ga)
Classification: Benign. Last evaluated: 2013-07-31. Review status: criteria provided, single submitter. Criteria: EGL Classification Definitions 2015. Collection method: clinical testing. Allele origin: germline. Observed: 3 variant alleles, 3 heterozygotes. Not counted in ClinVar's aggregate classification.

Biesecker Lab/Clinical Genomics Section, National Institutes of Health
Classification: Benign for Malignant hyperthermia, susceptibility to, 1. Last evaluated: 2013-07-01. Review status: criteria provided, single submitter. Criteria: Gonsalves et al. 2013. Collection method: research. Allele origin: unknown. Observed: 122 variant alleles. Study: ClinSeq. Not counted in ClinVar's aggregate classification.
Comment: The study set was not selected for affection status in relation to any myopathy. Pathogenicity categories were based on literature curation. See Pubmed ID: 24195946 for details.

Breakthrough Genomics
Classification: Benign. Review status: criteria provided, single submitter. Criteria: ACMG Guidelines, 2015. Collection method: not provided. Allele origin: germline. Inheritance: Autosomal recessive inheritance. Affected: yes. Not counted in ClinVar's aggregate classification.

GeneReviews
Classification: Benign for Central Core Disease. Last evaluated: 2010-05-11. Review status: no assertion criteria provided. Collection method: curation. Allele origin: unknown. Not counted in ClinVar's aggregate classification.
ClinVar note: Converted during submission from non-pathogenic to Benign.

Clinical Genetics, Academic Medical Center
Classification: Benign. Review status: no assertion criteria provided. Collection method: clinical testing. Allele origin: germline. Affected: yes. Study: VKGL Data-share Consensus. Not counted in ClinVar's aggregate classification.

Joint Genome Diagnostic Labs from Nijmegen and Maastricht, Radboudumc and MUMC+
Classification: Benign. Review status: no assertion criteria provided. Collection method: clinical testing. Allele origin: germline. Affected: yes. Study: VKGL Data-share Consensus. Not counted in ClinVar's aggregate classification.

RYR1 database
No classification provided. Review status: no classification provided. Collection method: not provided. Allele origin: unknown. Not counted in ClinVar's aggregate classification.

NM_000540.3(RYR1):c.6178G>T (p.Gly2060Cys)

Gene: RYR1 (ryanodine receptor 1; plus strand). Cytogenetic location: 19q13.2.
Variant type: single nucleotide variant.
Coding change: c.6178G>T on transcript NM_000540.3 (MANE Select); coding-DNA position 6178, G replaced by T.
Protein change: p.Gly2060Cys; replaces glycine 2060 with cysteine.
Molecular consequence: missense variant.
Genome position (GRCh38, 1-based): chr19:38,492,540, G>T. VCF-style: chr19-38492540-G-T. GRCh37 (hg19) VCF-style: chr19-38983180-G-T.
Other names: NM_000540.2(RYR1):c.6178G>T; c.6178G>T, p.Gly2060Cys (NM_001042723.2); short protein forms G2060C.
Identifiers: ClinVar variation 93279 (VCV000093279.33), dbSNP rs35364374, ClinGen allele CA024556.
Genomic context (GRCh38, chr19:38,492,540, plus strand): 5'-CCACTTCCAGGAATTCAGCTAGATGGAGAGGAGGAGGAACCAGAGGAAGAGACCACCCTG[G>T]GCAGCCGCCTCATGAGCCTGTTGGAGAAAGTGCGGCTGGTGAAGAAGAAGGAAGAGAAAC-3'
Protein context (NP_000531.2, residues 2050-2070): EEEPEEETTL[Gly2060Cys]SRLMSLLEKV